The following is an entry in ClinVar:

NM_000059.4(BRCA2):c.9727C>G (p.Pro3243Ala)

Gene: BRCA2 (BRCA2 DNA repair associated; plus strand). Cytogenetic location: 13q13.1.
Variant type: single nucleotide variant.
Coding change: c.9727C>G on transcript NM_000059.4 (MANE Select); coding-DNA position 9727, C replaced by G.
Protein change: p.Pro3243Ala; replaces proline 3243 with alanine.
Molecular consequence: missense variant.
Genome position (GRCh38, 1-based): chr13:32,398,240, C>G. VCF-style: chr13-32398240-C-G. GRCh37 (hg19) VCF-style: chr13-32972377-C-G.
Other names: short protein forms P3243A.
Identifiers: ClinVar variation 628964 (VCV000628964.8), dbSNP rs1566260898, ClinGen allele CA387765501.
Genomic context (GRCh38, chr13:32,398,240, plus strand): 5'-GAGATATATTATCAAAGTCCTTTATCACTTTGTATGGCCAAAAGGAAGTCTGTTTCCACA[C>G]CTGTCTCAGCCCAGATGACTTCAAAGTCTTGTAAAGGGGAGAAAGAGATTGATGACCAAA-3'
Protein context (NP_000050.3, residues 3233-3253): CMAKRKSVST[Pro3243Ala]VSAQMTSKSC

ClinVar aggregate classification (germline): Uncertain significance. Review status: criteria provided, multiple submitters, no conflicts (2 of 4 stars). 3 submissions from 3 submitters: Uncertain significance (3). Last evaluated 2025-04-17.

Conditions:
Hereditary cancer-predisposing syndrome. Also called: Neoplastic Syndromes, Hereditary; Tumor predisposition; Hereditary neoplastic syndrome; Hereditary Cancer Syndrome. Identifiers: Orphanet 140162, MedGen C0027672, MeSH D009386, MONDO:0015356.
Hereditary breast ovarian cancer syndrome. Also called: Hereditary breast and ovarian cancer syndrome; Hereditary breast and ovarian cancer; Hereditary breast and ovarian cancer syndrome (HBOC); Breast and ovarian cancer; Hereditary breast and/or ovarian cancer syndrome; BRCA1- and BRCA2-Associated Hereditary Breast and Ovarian Cancer. Identifiers: Orphanet 145, MedGen C0677776, MeSH D061325, MONDO:0003582. Disease mechanism: loss of function.

Submissions (3):

Labcorp Genetics (formerly Invitae), Labcorp
Classification: Uncertain significance for Hereditary breast ovarian cancer syndrome. Last evaluated: 2025-04-17. Review status: criteria provided, single submitter. Criteria: Invitae Variant Classification Sherloc (09022015). Collection method: clinical testing. Allele origin: germline.
Comment: This sequence change replaces proline, which is neutral and non-polar, with alanine, which is neutral and non-polar, at codon 3243 of the BRCA2 protein (p.Pro3243Ala). This variant is not present in population databases (gnomAD no frequency). This variant has not been reported in the literature in individuals affected with BRCA2-related conditions. ClinVar contains an entry for this variant (Variation ID: 628964). Invitae Evidence Modeling of protein sequence and biophysical properties (such as structural, functional, and spatial information, amino acid conservation, physicochemical variation, residue mobility, and thermodynamic stability) indicates that this missense variant is not expected to disrupt BRCA2 protein function with a negative predictive value of 95%. Algorithms developed to predict the effect of sequence changes on RNA splicing suggest that this variant may create or strengthen a splice site. In summary, the available evidence is currently insufficient to determine the role of this variant in disease. Therefore, it has been classified as a Variant of Uncertain Significance.

Color Diagnostics, LLC DBA Color Health
Classification: Uncertain significance for Hereditary cancer-predisposing syndrome. Last evaluated: 2023-12-04. Review status: criteria provided, single submitter. Criteria: ACMG Guidelines, 2015. Collection method: clinical testing. Allele origin: germline.
Comment: This missense variant replaces proline with alanine at codon 3243 of the BRCA2 protein. Computational prediction suggests that this variant may not impact protein structure and function (internally defined REVEL score threshold <= 0.5, PMID: 27666373). To our knowledge, functional studies have not been reported for this variant. This variant has not been reported in individuals affected with BRCA2-related disorders in the literature. This variant has not been identified in the general population by the Genome Aggregation Database (gnomAD). The available evidence is insufficient to determine the role of this variant in disease conclusively. Therefore, this variant is classified as a Variant of Uncertain Significance.

Ambry Genetics
Classification: Uncertain significance for Hereditary cancer-predisposing syndrome. Last evaluated: 2022-12-05. Review status: criteria provided, single submitter. Criteria: Ambry Variant Classification Scheme 2023. Collection method: clinical testing. Allele origin: germline.
Comment: The p.P3243A variant (also known as c.9727C>G), located in coding exon 26 of the BRCA2 gene, results from a C to G substitution at nucleotide position 9727. The proline at codon 3243 is replaced by alanine, an amino acid with highly similar properties. This amino acid position is not well conserved in available vertebrate species. In silico splice site analysis predicts that this alteration will result in the creation or strengthening of a novel splice acceptor site; however, direct evidence is insufficient at this time (Ambry internal data). In addition, this missense alteration is predicted to be tolerated by in silico analysis. Since supporting evidence is limited at this time, the clinical significance of this alteration remains unclear.